The following is an entry in ClinVar:

ClinVar aggregate classification (germline): Likely benign (1 of 4 stars; one submission).

Submission:

GeneDx
Classification: Likely benign. Last evaluated: 2018-04-05. Review status: criteria provided, single submitter. Criteria: GeneDx Variant Classification (06012015). Collection method: clinical testing. Allele origin: germline. Affected: yes.
Comment: This variant is considered likely benign or benign based on one or more of the following criteria: it is a conservative change, it occurs at a poorly conserved position in the protein, it is predicted to be benign by multiple in silico algorithms, and/or has population frequency not consistent with disease.

NM_005477.3(HCN4):c.786-17C>G

Genes: HCN4 (hyperpolarization activated cyclic nucleotide gated potassium channel 4; minus strand), LOC105370890 (uncharacterized LOC105370890; plus strand), LOC126862173 (CDK7 strongly-dependent group 2 enhancer GRCh37_chr15:73635762-73636961; plus strand). Cytogenetic location: 15q24.1.
Variant type: single nucleotide variant.
Coding change: c.786-17C>G on transcript NM_005477.3 (MANE Select); 17 bases into the intron before coding-DNA position 786, C replaced by G.
Molecular consequence: intron variant.
Genome position (GRCh38, 1-based): chr15:73,343,825, G>C on the plus strand (C>G on the coding strand, the complement: HCN4 is on the minus strand). VCF-style: chr15-73343825-G-C. GRCh37 (hg19) VCF-style: chr15-73636166-G-C.
Identifiers: ClinVar variation 681503 (VCV000681503.1), dbSNP rs1595829300, ClinGen allele CA915946074.